The following is an entry in ClinVar:

ClinVar aggregate classification (germline): Pathogenic. Review status: criteria provided, multiple submitters, no conflicts (2 of 4 stars). 9 submissions from 9 submitters: Pathogenic (6). 3 of the submissions do not count toward it. Last evaluated 2025-02-16.

Conditions:
SCN9A-related peripheral neuropathies associated with increased pain.
Generalized epilepsy with febrile seizures plus, type 7 (GEFSP7). Also called: GEFS+, TYPE 7. Identifiers: Orphanet 36387, MedGen C2751778, MONDO:0013470, OMIM 613863.
Neuropathy, hereditary sensory and autonomic, type 2A (HSAN2A). Also called: HSAN IIA; MORVAN DISEASE; NEUROPATHY, CONGENITAL SENSORY; NEUROPATHY, HEREDITARY SENSORY RADICULAR, AUTOSOMAL RECESSIVE; NEUROPATHY, HEREDITARY SENSORY, TYPE IIA; NEUROPATHY, PROGRESSIVE SENSORY, OF CHILDREN. Identifiers: Orphanet 970, MedGen C2752089, MONDO:0024309, OMIM 201300.
Primary erythromelalgia. Also called: primary erythermalgia; SCN9A Erythromelalgia (SCN9A-EM). Identifiers: Orphanet 306577, Orphanet 90026, MedGen C0014805, MONDO:0007571, OMIM 133020.
Acute episodes of neuropathic symptoms. Identifiers: MedGen C1867971, HP:0003489.
Abnormality of pain sensation. Identifiers: MedGen C4023691, HP:0010832.

Submissions (9):

Laboratory of Genetics, Children's Clinical University Hospital Latvia
Classification: Pathogenic. Last evaluated: 2025-02-16. Review status: criteria provided, single submitter. Criteria: ACMG Guidelines, 2015. Collection method: clinical testing. Allele origin: germline. Affected: yes.

GeneDx
Classification: Pathogenic. Last evaluated: 2024-09-23. Review status: criteria provided, single submitter. Criteria: GeneDx Variant Classification Process June 2021. Collection method: clinical testing. Allele origin: germline. Affected: yes.
Comment: Not observed at significant frequency in large population cohorts (gnomAD); In silico analysis supports that this missense variant has a deleterious effect on protein structure/function; This variant is associated with the following publications: (PMID: 21115638, 23383113, 32581362, 36895957, 25993546, 33361158, 14985375, 15385606, 29911575, 18347287, 26920677)

Labcorp Genetics (formerly Invitae), Labcorp
Classification: Pathogenic for Neuropathy, hereditary sensory and autonomic, type 2A; Generalized epilepsy with febrile seizures plus, type 7. Last evaluated: 2023-12-01. Review status: criteria provided, single submitter. Criteria: Invitae Variant Classification Sherloc (09022015). Collection method: clinical testing. Allele origin: germline.
Comment: This sequence change replaces isoleucine, which is neutral and non-polar, with threonine, which is neutral and polar, at codon 848 of the SCN9A protein (p.Ile848Thr). This variant is not present in population databases (gnomAD no frequency). This missense change has been observed in individual(s) with autosomal dominant primary erythromelalgia (PMID: 14985375, 29911575). In at least one individual the variant was observed to be de novo. It has also been observed to segregate with disease in related individuals. ClinVar contains an entry for this variant (Variation ID: 6350). Advanced modeling of protein sequence and biophysical properties (such as structural, functional, and spatial information, amino acid conservation, physicochemical variation, residue mobility, and thermodynamic stability) performed at Invitae indicates that this missense variant is not expected to disrupt SCN9A protein function with a negative predictive value of 80%. Experimental studies have shown that this missense change affects SCN9A function (PMID: 15385606). For these reasons, this variant has been classified as Pathogenic.

CeGaT Center for Human Genetics Tuebingen
Classification: Pathogenic. Last evaluated: 2023-01-01. Review status: criteria provided, single submitter. Criteria: CeGaT Center For Human Genetics Tuebingen Variant Classification Criteria Version 2. Collection method: clinical testing. Allele origin: germline. Affected: yes. Observed: 3 variant alleles.

Revvity Omics, Revvity
Classification: Pathogenic. Last evaluated: 2021-03-17. Review status: criteria provided, single submitter. Criteria: ACMG Guidelines, 2015. Collection method: clinical testing. Allele origin: germline.

Illumina Laboratory Services, Illumina
Classification: Pathogenic for SCN9A-related peripheral neuropathies associated with increased pain. Last evaluated: 2019-03-12. Review status: criteria provided, single submitter. Criteria: ICSLVariantClassificationCriteria RUGD 01 April 2020. Collection method: clinical testing. Allele origin: unknown.
Comment: The SCN9A c.2543T>C (p.Ile848Thr) variant is a missense variant and has been reported in at least seven studies, in which it is found in a heterozygous state in a total of 10 individuals with inherited erythromelalgia (Yang et al. 2004; Drenth et al. 2005; Drenth et al. 2008; Natkunarajah et al. 2009; Zhang et al. 2014; Namer et al. 2015; McDonnell et al. 2016). The age of onset was reported at three to five years in individuals carrying the p.Ile848Thr variant. In two families, the variant was shown to segregate with disease. The p.Ile848Thr variant was absent from 350 control subjects and is not found in the Genome Aggregation Database, in a region of good sequence coverage, so the variant is presumed to be rare. Functional studies in C-fibers from a patient carrying the p.Ile848Thr variant demonstrated an enhanced early subnormal conduction in the velocity recovery cycles (Namer et al. 2015). In addition, HEK293 cells expressing this variant exhibited altered sodium channel function compared to wild type (Cummins et al. 2004). Based on the collective evidence and application of the ACMG criteria, the p.Ile848Thr variant is classified as pathogenic for SCN9A-related peripheral neuropathies associated with increased pain.

OMIM
Classification: Pathogenic for ERYTHERMALGIA, PRIMARY. Last evaluated: 2004-09-22. Review status: no assertion criteria provided. Collection method: literature only. Allele origin: germline. Not counted in ClinVar's aggregate classification.

GeneReviews
No classification provided. Condition: Primary erythromelalgia. Review status: no classification provided. Collection method: literature only. Allele origin: germline. Not counted in ClinVar's aggregate classification.

NIHR Bioresource Rare Diseases, University of Cambridge
Classification: Likely pathogenic for Acute episodes of neuropathic symptoms; Abnormality of pain sensation. Review status: no assertion criteria provided. Collection method: research. Allele origin: unknown. Affected: yes. Observed: 2 variant alleles. Not counted in ClinVar's aggregate classification.

Literature cited by the submitters: PubMed 14985375 (cited by 3 submitters); PubMed 29911575 (cited by Labcorp Genetics (formerly Invitae), Labcorp and Illumina Laboratory Services, Illumina); PubMed 15385606 (cited by 3 submitters); PubMed 15955112 (cited by Illumina Laboratory Services, Illumina); PubMed 18347287 (cited by Illumina Laboratory Services, Illumina); PubMed 19549232 (cited by Illumina Laboratory Services, Illumina and GeneReviews); PubMed 25993546 (cited by Illumina Laboratory Services, Illumina); PubMed 26920677 (cited by Illumina Laboratory Services, Illumina); PubMed 20301342 (cited by GeneReviews); PubMed 32581362 (cited by NIHR Bioresource Rare Diseases, University of Cambridge).

NM_001365536.1(SCN9A):c.2576T>C (p.Ile859Thr)

Genes: SCN1A-AS1 (SCN1A and SCN9A antisense RNA 1; plus strand), SCN9A (sodium voltage-gated channel alpha subunit 9; minus strand). Cytogenetic location: 2q24.3.
Variant type: single nucleotide variant.
Coding change: c.2576T>C on transcript NM_001365536.1 (MANE Select); coding-DNA position 2576, T replaced by C.
Protein change: p.Ile859Thr; replaces isoleucine 859 with threonine.
Molecular consequence: missense variant.
Genome position (GRCh38, 1-based): chr2:166,277,281, A>G on the plus strand (T>C on the coding strand, the complement: SCN9A is on the minus strand). VCF-style: chr2-166277281-A-G. GRCh37 (hg19) VCF-style: chr2-167133791-A-G.
Other names: c.2543T>C, p.Ile848Thr (NM_002977.4); short protein forms I848T, I859T.
Identifiers: ClinVar variation 6350 (VCV000006350.51), dbSNP rs80356474, ClinGen allele CA340545.